The following is an entry in ClinVar:

NM_003743.5(NCOA1):c.177C>T (p.Ser59=)

Gene: NCOA1 (nuclear receptor coactivator 1; plus strand). Cytogenetic location: 2p23.3.
Variant type: single nucleotide variant.
Coding change: c.177C>T on transcript NM_003743.5 (MANE Select); coding-DNA position 177, C replaced by T.
Protein change: p.Ser59=; no amino-acid change (serine 59 retained).
Molecular consequence: synonymous variant.
Genome position (GRCh38, 1-based): chr2:24,665,836, C>T. VCF-style: chr2-24665836-C-T. GRCh37 (hg19) VCF-style: chr2-24888705-C-T.
Other names: c.177C>T, p.Ser59= (NM_001362950.1, NM_001362952.1, NM_001362954.1 and 3 more transcripts).
Identifiers: ClinVar variation 4981072 (VCV004981072.1).

ClinVar aggregate classification (germline): Likely benign (1 of 4 stars; one submission).

Conditions:
NCOA1-related disorder. Also called: NCOA1-related condition.

Submission:

PreventionGenetics, part of Exact Sciences
Classification: Likely benign for NCOA1-related condition. Last evaluated: 2026-03-28. Review status: criteria provided, single submitter. Criteria: ACMG Guidelines, 2015. Collection method: clinical testing. Allele origin: germline.
Comment: This variant is classified as likely benign based on ACMG/AMP sequence variant interpretation guidelines (Richards et al. 2015 PMID: 25741868, with internal and published modifications).